The following is an entry in ClinVar:

ClinVar aggregate classification (germline): Uncertain significance. Review status: criteria provided, multiple submitters, no conflicts (2 of 4 stars). 4 submissions from 3 submitters: Uncertain significance (4). Last evaluated 2026-01-31.

Conditions:
Familial hypobetalipoproteinemia 1. Also called: Hypobetalipoproteinemia, normotriglyceridemic; Acanthocytosis with hypobetalipoproteinemia; APOB-Related Familial Hypobetalipoproteinemia. Identifiers: MedGen C4551990, MONDO:0014252, OMIM 615558.
Hypercholesterolemia, autosomal dominant, type B (FHCL2). Also called: Hyperlipoproteinemia Type IIb; APOB-Related Familial Hypercholesterolemia, Autosomal Dominant; APOLIPOPROTEIN B-100, FAMILIAL DEFECTIVE; APOLIPOPROTEIN B-100, FAMILIAL LIGAND-DEFECTIVE; HYPERCHOLESTEROLEMIA, FAMILIAL, DUE TO LIGAND-DEFECTIVE APOLIPOPROTEIN B; Familial hypercholesterolemia 2. Identifiers: MedGen C1704417, MONDO:0007751, OMIM 144010.

gnomAD v4.1: 10 of 1,614,044 alleles (0.00062%); highest among the groups gnomAD compares: Non-Finnish European, 0.00076%; no homozygotes.

Submissions (4):

GeneDx
Classification: Uncertain significance. Last evaluated: 2026-01-31. Review status: criteria provided, single submitter. Criteria: GeneDx Variant Classification Process June 2021. Collection method: clinical testing. Allele origin: germline.
Comment: Not observed at significant frequency in large population cohorts (gnomAD); In silico analysis suggests that this missense variant does not alter protein structure/function; Has not been previously published as pathogenic or benign to our knowledge

Labcorp Genetics (formerly Invitae), Labcorp
Classification: Uncertain significance for Familial hypobetalipoproteinemia 1; Hypercholesterolemia, autosomal dominant, type B. Last evaluated: 2022-10-30. Review status: criteria provided, single submitter. Criteria: Invitae Variant Classification Sherloc (09022015). Collection method: clinical testing. Allele origin: germline.
Comment: This sequence change replaces alanine, which is neutral and non-polar, with serine, which is neutral and polar, at codon 309 of the APOB protein (p.Ala309Ser). In summary, the available evidence is currently insufficient to determine the role of this variant in disease. Therefore, it has been classified as a Variant of Uncertain Significance. Advanced modeling of protein sequence and biophysical properties (such as structural, functional, and spatial information, amino acid conservation, physicochemical variation, residue mobility, and thermodynamic stability) performed at Invitae indicates that this missense variant is not expected to disrupt APOB protein function. ClinVar contains an entry for this variant (Variation ID: 895910). This variant has not been reported in the literature in individuals affected with APOB-related conditions. This variant is present in population databases (rs141888564, gnomAD 0.0009%).

Illumina Laboratory Services, Illumina
Classification: Uncertain significance for Hypercholesterolemia, autosomal dominant, type B. Last evaluated: 2018-01-12. Review status: criteria provided, single submitter. Criteria: ICSL Variant Classification Criteria 13 December 2019. Collection method: clinical testing. Allele origin: germline.

Illumina Laboratory Services, Illumina
Classification: Uncertain significance for Familial hypobetalipoproteinemia 1. Last evaluated: 2018-01-12. Review status: criteria provided, single submitter. Criteria: ICSL Variant Classification Criteria 13 December 2019. Collection method: clinical testing. Allele origin: germline.

NM_000384.3(APOB):c.925G>T (p.Ala309Ser)

Gene: APOB (apolipoprotein B; minus strand). Cytogenetic location: 2p24.1.
Variant type: single nucleotide variant.
Coding change: c.925G>T on transcript NM_000384.3 (MANE Select); coding-DNA position 925, G replaced by T.
Protein change: p.Ala309Ser; replaces alanine 309 with serine.
Molecular consequence: missense variant.
Genome position (GRCh38, 1-based): chr2:21,033,498, C>A on the plus strand (G>T on the coding strand, the complement: APOB is on the minus strand). VCF-style: chr2-21033498-C-A. GRCh37 (hg19) VCF-style: chr2-21256370-C-A.
Other names: short protein forms A309S.
Identifiers: ClinVar variation 895910 (VCV000895910.8), dbSNP rs141888564, ClinGen allele CA066413.